The following is an entry in ClinVar:

ClinVar aggregate classification (germline): Pathogenic (1 of 4 stars; one submission).

Conditions:
Inborn genetic diseases. Identifiers: MedGen C0950123, MeSH D030342.

Submission:

Ambry Genetics
Classification: Pathogenic for Inborn genetic diseases. Last evaluated: 2023-10-06. Review status: criteria provided, single submitter. Criteria: Ambry Variant Classification Scheme 2023. Collection method: clinical testing. Allele origin: germline.
Comment: The c.6068_6069delAT (p.Y2023Ffs*3) alteration, located in exon 5 (coding exon 5) of the MAP1B gene, consists of a deletion of 2 nucleotides from position 6068 to 6069, causing a translational frameshift with a predicted alternate stop codon after 3 amino acids. This alteration is expected to result in loss of function by premature protein truncation or nonsense-mediated mRNA decay. This variant was not reported in population-based cohorts in the Genome Aggregation Database (gnomAD). Based on the available evidence, this alteration is classified as pathogenic.

NM_005909.5(MAP1B):c.6068_6069del (p.Tyr2023fs)

Gene: MAP1B (microtubule associated protein 1B; plus strand). Cytogenetic location: 5q13.2.
Variant type: Deletion.
Coding change: c.6068_6069del on transcript NM_005909.5 (MANE Select); coding-DNA positions 6068 to 6069, 2 bases deleted (AT; older notation c.6068_6069delAT).
Protein change: p.Tyr2023fs; shifts the reading frame from tyrosine 2023.
Molecular consequence: frameshift variant.
Genome position (GRCh38, 1-based): chr5:72,199,423-72,199,424, AT deleted; deleting any 2 consecutive bases within chr5:72,199,422-72,199,424 gives the same sequence; the c. name uses the placement nearest the transcript's 3' end. VCF-style (leftmost placement, unchanged base first): chr5-72199421-TTA-T. GRCh37 (hg19) VCF-style: chr5-71495248-TTA-T.
Other names: c.5690_5691del, p.Tyr1897fs (NM_001324255.2); short protein forms Y1897fs, Y2023fs.
Identifiers: ClinVar variation 3122718 (VCV003122718.1), dbSNP rs2478585499, ClinGen allele CA2825001421.